The following is an entry in ClinVar:

ClinVar aggregate classification (germline): Pathogenic. Review status: criteria provided, multiple submitters, no conflicts (2 of 4 stars). 2 submissions from 2 submitters: Pathogenic (2). Last evaluated 2026-04-21.

Conditions:
Hereditary nonpolyposis colorectal neoplasms. Identifiers: MedGen C0009405, MeSH D003123.
Hereditary cancer-predisposing syndrome. Also called: Neoplastic Syndromes, Hereditary; Tumor predisposition; Hereditary Cancer Syndrome; Hereditary neoplastic syndrome. Identifiers: Orphanet 140162, MedGen C0027672, MeSH D009386, MONDO:0015356.

Submissions (2):

Ambry Genetics
Classification: Pathogenic for Hereditary cancer-predisposing syndrome. Last evaluated: 2026-04-21. Review status: criteria provided, single submitter. Criteria: Ambry Variant Classification Scheme 2023. Collection method: clinical testing. Allele origin: germline.
Comment: The c.2291_2298delGGGCTAAA pathogenic mutation, located in coding exon 14 of the PMS2 gene, results from a deletion of 8 nucleotides at nucleotide positions 2291 to 2298, causing a translational frameshift with a predicted alternate stop codon (p.R764Tfs*7). This variant is considered to be rare based on population cohorts in the Genome Aggregation Database (gnomAD). This alteration is expected to result in loss of function by premature protein truncation or nonsense-mediated mRNA decay. As such, this alteration is interpreted as a disease-causing mutation.

Labcorp Genetics (formerly Invitae), Labcorp
Classification: Pathogenic for Hereditary nonpolyposis colorectal neoplasms. Last evaluated: 2025-05-23. Review status: criteria provided, single submitter. Criteria: Invitae Variant Classification Sherloc (09022015). Collection method: clinical testing. Allele origin: germline.
Comment: This sequence change creates a premature translational stop signal (p.Arg764Thrfs*7) in the PMS2 gene. It is expected to result in an absent or disrupted protein product. Loss-of-function variants in PMS2 are known to be pathogenic (PMID: 21376568, 24362816). The frequency data for this variant in the population databases (gnomAD) is considered unreliable due to the presence of homologous sequence, such as pseudogenes or paralogs, in the genome. This variant has not been reported in the literature in individuals affected with PMS2-related conditions. For these reasons, this variant has been classified as Pathogenic.

Literature cited by the submitters: PubMed 21376568 (cited by Labcorp Genetics (formerly Invitae), Labcorp); PubMed 24362816 (cited by Labcorp Genetics (formerly Invitae), Labcorp).

NM_000535.7(PMS2):c.2291_2298del (p.Arg764fs)

Gene: PMS2 (PMS1 homolog 2, mismatch repair system component; minus strand). Cytogenetic location: 7p22.1.
Variant type: Deletion.
Coding change: c.2291_2298del on transcript NM_000535.7 (MANE Select); coding-DNA positions 2291 to 2298, 8 bases deleted (GGGCTAAA; older notation c.2291_2298delGGGCTAAA).
Protein change: p.Arg764fs; shifts the reading frame from arginine 764.
Molecular consequence: frameshift variant. On other transcripts: intron variant (2).
Genome position (GRCh38, 1-based): chr7:5,977,735-5,977,742, TTTAGCCC deleted on the plus strand (GGGCTAAA on the coding strand, the reverse complement: PMS2 is on the minus strand); deleting any 8 consecutive bases within chr7:5,977,735-5,977,745 gives the same sequence; the c. name uses the placement nearest the transcript's 3' end. VCF-style (leftmost placement, unchanged base first): chr7-5977734-GTTTAGCCC-G. GRCh37 (hg19) VCF-style: chr7-6017365-GTTTAGCCC-G.
Other names: c.2291_2298delGGGCTAAA (NM_000535.5); c.1886_1893del, p.Arg629fs (NM_001322003.2, NM_001322004.2, NM_001322005.2 and 11 more transcripts); c.2135_2142del, p.Arg712fs (NM_001322006.2); c.1973_1980del, p.Arg658fs (NM_001322007.2, NM_001322008.2, NM_001406883.1); c.1919_1926del, p.Arg640fs (NM_001322009.2, NM_001406887.1, NM_001406888.1); c.1730_1737del, p.Arg577fs (NM_001322010.2, NM_001406906.1, NM_001406907.1); c.1358_1365del, p.Arg453fs (NM_001322011.2, NM_001322012.2); c.1718_1725del, p.Arg573fs (NM_001322013.2, NM_001406908.1, NM_001406909.1); and 21 more; short protein forms R453fs, R652fs, R669fs, R708fs, R723fs, R826fs, R573fs, R602fs.
Identifiers: ClinVar variation 4720102 (VCV004720102.2).
Genomic context (GRCh38, chr7:5,977,734, plus strand): 5'-TCAGTTCATCGACGTCCTGGGGTCCGAAGGTCCAGTTTTTACTAGTTGGCAAGGAAATCA[GTTTAGCCC>G]TTTCAGTGACTGGAGCTAAAAGAATACAATTTTGAGAAAAATCCATGACTTGACAAACAC-3'